The following is an entry in ClinVar:

ClinVar aggregate classification (germline): Uncertain significance (1 of 4 stars; one submission).

Conditions:
Cardiovascular phenotype. Identifiers: MedGen CN230736.

Submission:

Ambry Genetics
Classification: Uncertain significance for Cardiovascular phenotype. Last evaluated: 2022-12-09. Review status: criteria provided, single submitter. Criteria: Ambry Variant Classification Scheme 2023. Collection method: clinical testing. Allele origin: germline.
Comment: The p.M110I variant (also known as c.330G>A), located in coding exon 2 of the LMF1 gene, results from a G to A substitution at nucleotide position 330. The methionine at codon 110 is replaced by isoleucine, an amino acid with highly similar properties. This amino acid position is conserved. In addition, this alteration is predicted to be tolerated by in silico analysis. Since supporting evidence is limited at this time, the clinical significance of this alteration remains unclear.

NM_022773.4(LMF1):c.330G>A (p.Met110Ile)

Gene: LMF1 (lipase maturation factor 1; minus strand). Cytogenetic location: 16p13.3.
Variant type: single nucleotide variant.
Coding change: c.330G>A on transcript NM_022773.4 (MANE Select); coding-DNA position 330, G replaced by A.
Protein change: p.Met110Ile; replaces methionine 110 with isoleucine.
Molecular consequence: missense variant. On other transcripts: 5 prime UTR variant (3), initiator codon variant (1), non-coding transcript variant (1).
Genome position (GRCh38, 1-based): chr16:954,530, C>T on the plus strand (G>A on the coding strand, the complement: LMF1 is on the minus strand). VCF-style: chr16-954530-C-T. GRCh37 (hg19) VCF-style: chr16-1004530-C-T.
Other names: c.-474G>A (NM_001352017.2); c.-225G>A (NM_001352018.2); c.3G>A, p.Met1Ile (NM_001352019.2); c.330G>A, p.Met110Ile (NM_001352020.1); c.-376G>A (NM_001352021.2); short protein forms M110I, M1I.
Identifiers: ClinVar variation 2451794 (VCV002451794.3), dbSNP rs2548398715, ClinGen allele CA394105004.